The following is an entry in ClinVar:

ClinVar aggregate classification (germline): Pathogenic (1 of 4 stars; one submission).

Conditions:
Hereditary cancer-predisposing syndrome. Also called: Hereditary Cancer Syndrome; Hereditary neoplastic syndrome; Tumor predisposition; Neoplastic Syndromes, Hereditary. Identifiers: Orphanet 140162, MedGen C0027672, MeSH D009386, MONDO:0015356.

Submission:

Ambry Genetics
Classification: Pathogenic for Hereditary cancer-predisposing syndrome. Last evaluated: 2020-06-19. Review status: criteria provided, single submitter. Criteria: Ambry Variant Classification Scheme 2023. Collection method: clinical testing. Allele origin: germline.
Comment: The c.2290_2291insAGTA pathogenic mutation, located in coding exon 4 of the MSH6 gene, results from an insertion of 4 nucleotides at position 2290, causing a translational frameshift with a predicted alternate stop codon (p.T764Kfs*9). This alteration is expected to result in loss of function by premature protein truncation or nonsense-mediated mRNA decay. As such, this alteration is interpreted as a disease-causing mutation.

NM_000179.3(MSH6):c.2290_2291insAGTA (p.Thr764fs)

Gene: MSH6 (mutS homolog 6; plus strand). Cytogenetic location: 2p16.3.
Variant type: Insertion.
Coding change: c.2290_2291insAGTA on transcript NM_000179.3 (MANE Select); coding-DNA positions 2290 to 2291, AGTA inserted.
Protein change: p.Thr764fs; shifts the reading frame from threonine 764.
Molecular consequence: frameshift variant.
Genome position: GRCh38 VCF-style: chr2-47800271-A-ATAAG. GRCh37 (hg19) VCF-style: chr2-48027410-A-ATAAG.
Other names: c.1900_1901insAGTA, p.Thr634fs (NM_001281492.2); c.1384_1385insAGTA, p.Thr462fs (NM_001281493.2, NM_001281494.2); c.2386_2387insAGTA, p.Thr796Lysfs (NM_001406795.1, NM_001406802.1); c.2290_2291insAGTA, p.Thr764Lysfs (NM_001406796.1, NM_001406798.1, NM_001406800.1 and 3 more transcripts); c.1993_1994insAGTA, p.Thr665Lysfs (NM_001406797.1, NM_001406801.1, NM_001406805.1 and 10 more transcripts); c.1765_1766insAGTA, p.Thr589Lysfs (NM_001406799.1, NM_001406806.1, NM_001406807.1); c.2212_2213insAGTA, p.Thr738Lysfs (NM_001406804.1); c.1384_1385insAGTA, p.Thr462Lysfs (NM_001406811.1, NM_001406812.1, NM_001406814.1 and 4 more transcripts); and 2 more; short protein forms T634fs, T764fs, T462fs.
Identifiers: ClinVar variation 1789096 (VCV001789096.2), dbSNP rs2530662872, ClinGen allele CA2580067815.